The following is an entry in ClinVar:

NM_025179.4(PLXNA2):c.2246G>A (p.Arg749Gln)

Gene: PLXNA2 (plexin A2; minus strand). Cytogenetic location: 1q32.2.
Variant type: single nucleotide variant.
Coding change: c.2246G>A on transcript NM_025179.4 (MANE Select); coding-DNA position 2246, G replaced by A.
Protein change: p.Arg749Gln; replaces arginine 749 with glutamine.
Molecular consequence: missense variant.
Genome position (GRCh38, 1-based): chr1:208,084,432, C>T on the plus strand (G>A on the coding strand, the complement: PLXNA2 is on the minus strand). VCF-style: chr1-208084432-C-T. GRCh37 (hg19) VCF-style: chr1-208257777-C-T.
Other names: short protein forms R749Q.
Identifiers: ClinVar variation 2469991 (VCV002469991.4), dbSNP rs367712536, ClinGen allele CA1373597.
Genomic context (GRCh38, chr1:208,084,432, plus strand): 5'-TTTCTTACCGAGCTGTTCTGACACTGAACGCTGGAGCTGTTGAAGCGCAGAGCGGGGACC[C>T]GGTGGATGGCTCCTTGTATGTTGAGGACACACTCATAGCCTCGCTGGCCGGACTGCGGCT-3'
Protein context (NP_079455.3, residues 739-759): CVLNIQGAIH[Arg749Gln]VPALRFNSSS

ClinVar aggregate classification (germline): Uncertain significance. Review status: criteria provided, multiple submitters, no conflicts (2 of 4 stars). 2 submissions from 2 submitters: Uncertain significance (2). Last evaluated 2025-02-09.

Conditions:
PLXNA2-related disorder. Also called: PLXNA2-related condition.

Allele frequency attached by ClinVar (database versions not stated): ExAC 0.00001; gnomAD 0.00001; TOPMed 0.00001; ESP Exome Variant Server 0.00008.
gnomAD v4.1: 71 of 1,614,130 alleles (0.0044%); highest among the groups gnomAD compares: Non-Finnish European, 0.0054%; no homozygotes.

Submissions (2):

PreventionGenetics, part of Exact Sciences
Classification: Uncertain significance for PLXNA2-related condition. Last evaluated: 2025-02-09. Review status: criteria provided, single submitter. Criteria: ACMG Guidelines, 2015. Collection method: clinical testing. Allele origin: germline.
Comment: The PLXNA2 c.2246G>A variant is predicted to result in the amino acid substitution p.Arg749Gln. To our knowledge, this variant has not been reported in the literature. This variant is reported in 0.0065% of alleles in individuals of South Asian descent in gnomAD. At this time, the clinical significance of this variant is uncertain due to the absence of conclusive functional and genetic evidence.

Ambry Genetics
Classification: Uncertain significance. Last evaluated: 2023-03-14. Review status: criteria provided, single submitter. Criteria: Ambry Variant Classification Scheme 2023. Collection method: clinical testing. Allele origin: germline.